The following is an entry in ClinVar:

ClinVar aggregate classification (germline): Uncertain significance (1 of 4 stars; one submission).

Conditions:
Combined immunodeficiency due to ORAI1 deficiency. Also called: IMMUNODEFICIENCY 9. Identifiers: Orphanet 169090, Orphanet 317428, MedGen C2748568, MONDO:0013007, OMIM 612782.
Myopathy, tubular aggregate, 2 (TAM2). Identifiers: MedGen C4014557, MONDO:0014383, OMIM 615883.

Submission:

Labcorp Genetics (formerly Invitae), Labcorp
Classification: Uncertain significance for Myopathy, tubular aggregate, 2; Combined immunodeficiency due to ORAI1 deficiency. Last evaluated: 2025-12-22. Review status: criteria provided, single submitter. Criteria: Invitae Variant Classification Sherloc (09022015). Collection method: clinical testing. Allele origin: germline.
Comment: This sequence change replaces glycine, which is neutral and non-polar, with aspartic acid, which is acidic and polar, at codon 247 of the ORAI1 protein (p.Gly247Asp). This variant is not present in population databases (gnomAD no frequency). This variant has not been reported in the literature in individuals affected with ORAI1-related conditions. ClinVar contains an entry for this variant (Variation ID: 1500541). Experimental studies and prediction algorithms are not available or were not evaluated, and the functional significance of this variant is currently unknown. In summary, the available evidence is currently insufficient to determine the role of this variant in disease. Therefore, it has been classified as a Variant of Uncertain Significance.

NC_000012.12:g.121641477G>A

Gene: ORAI1 (ORAI calcium release-activated calcium modulator 1; plus strand). Cytogenetic location: 12q24.31.
Variant type: single nucleotide variant.
Genome position: GRCh38 VCF-style: chr12-121641477-G-A. GRCh37 (hg19) VCF-style: chr12-122079383-G-A.
Other names: c.740G>A, p.Gly247Asp (NM_032790.4); short protein forms G247D.
Identifiers: ClinVar variation 1500541 (VCV001500541.6), dbSNP rs2136853394, ClinGen allele CA386984336.